The following is an entry in ClinVar:

NM_177438.3(DICER1):c.3676G>C (p.Glu1226Gln)

Gene: DICER1 (dicer 1, ribonuclease III; minus strand). Cytogenetic location: 14q32.13.
Variant type: single nucleotide variant.
Coding change: c.3676G>C on transcript NM_177438.3 (MANE Select); coding-DNA position 3676, G replaced by C.
Protein change: p.Glu1226Gln; replaces glutamic acid 1226 with glutamine.
Molecular consequence: missense variant.
Genome position (GRCh38, 1-based): chr14:95,103,720, C>G on the plus strand (G>C on the coding strand, the complement: DICER1 is on the minus strand). VCF-style: chr14-95103720-C-G. GRCh37 (hg19) VCF-style: chr14-95570057-C-G.
Other names: c.3676G>C, p.Glu1226Gln (NM_001195573.1, NM_030621.4, NM_001271282.3 and 1 more transcripts); short protein forms E1226Q.
Identifiers: ClinVar variation 844556 (VCV000844556.11), dbSNP rs748087536, ClinGen allele CA390874399.

ClinVar aggregate classification (germline): Uncertain significance (1 of 4 stars; one submission).

Conditions:
DICER1-related tumor predisposition. Also called: DICER1 syndrome; DICER1-related pleuropulmonary blastoma cancer predisposition syndrome. Identifiers: Orphanet 284343, MedGen C3839822, MONDO:0100216.

Submission:

Labcorp Genetics (formerly Invitae), Labcorp
Classification: Uncertain significance for DICER1-related tumor predisposition. Last evaluated: 2019-12-27. Review status: criteria provided, single submitter. Criteria: Invitae Variant Classification Sherloc (09022015). Collection method: clinical testing. Allele origin: germline.
Comment: This variant is not present in population databases (ExAC no frequency). In summary, the available evidence is currently insufficient to determine the role of this variant in disease. Therefore, it has been classified as a Variant of Uncertain Significance. Algorithms developed to predict the effect of missense changes on protein structure and function (SIFT, PolyPhen-2, Align-GVGD) all suggest that this variant is likely to be tolerated, but these predictions have not been confirmed by published functional studies and their clinical significance is uncertain. This variant has not been reported in the literature in individuals with DICER1-related conditions. This sequence change replaces glutamic acid with glutamine at codon 1226 of the DICER1 protein (p.Glu1226Gln). The glutamic acid residue is moderately conserved and there is a small physicochemical difference between glutamic acid and glutamine.